The following is an entry in ClinVar:

ClinVar aggregate classification (germline): Uncertain significance. Review status: criteria provided, multiple submitters, no conflicts (2 of 4 stars). 2 submissions from 2 submitters: Uncertain significance (2). Last evaluated 2025-10-23.

gnomAD v4.1: 69 of 1,613,612 alleles (0.0043%); highest among the groups gnomAD compares: South Asian, 0.067%; no homozygotes.

Submissions (2):

Labcorp Genetics (formerly Invitae), Labcorp
Classification: Uncertain significance. Last evaluated: 2025-10-23. Review status: criteria provided, single submitter. Criteria: Invitae Variant Classification Sherloc (09022015). Collection method: clinical testing. Allele origin: germline.
Comment: This sequence change replaces aspartic acid, which is acidic and polar, with asparagine, which is neutral and polar, at codon 1189 of the HMCN1 protein (p.Asp1189Asn). This variant is present in population databases (rs144865902, gnomAD 0.04%). This variant has not been reported in the literature in individuals affected with HMCN1-related conditions. An algorithm developed to predict the effect of missense changes on protein structure and function outputs the following: PolyPhen-2: "Benign". The asparagine amino acid residue is found in multiple mammalian species, which suggests that this missense change does not adversely affect protein function. In summary, the available evidence is currently insufficient to determine the role of this variant in disease. Therefore, it has been classified as a Variant of Uncertain Significance.

Ambry Genetics
Classification: Uncertain significance. Last evaluated: 2025-09-22. Review status: criteria provided, single submitter. Criteria: Ambry Variant Classification Scheme 2023. Collection method: clinical testing. Allele origin: germline.

NM_031935.3(HMCN1):c.3565G>A (p.Asp1189Asn)

Gene: HMCN1 (hemicentin 1; plus strand). Cytogenetic location: 1q31.1.
Variant type: single nucleotide variant.
Coding change: c.3565G>A on transcript NM_031935.3 (MANE Select); coding-DNA position 3565, G replaced by A.
Protein change: p.Asp1189Asn; replaces aspartic acid 1189 with asparagine.
Molecular consequence: missense variant.
Genome position (GRCh38, 1-based): chr1:185,994,874, G>A. VCF-style: chr1-185994874-G-A. GRCh37 (hg19) VCF-style: chr1-185964006-G-A.
Other names: short protein forms D1189N.
Identifiers: ClinVar variation 4676384 (VCV004676384.2).
Genomic context (GRCh38, chr1:185,994,874, plus strand): 5'-GTTCCTCCAAAGATACAGCGTGGACCTAAACATCTCAAAGTCCAAGTTGGTCAAAGAGTG[G>A]ATATTCCATGTAATGCTCAAGGGACTCCTCTTCCTGTAATCACCTGGTCCAAAGGTGGAA-3'
Protein context (NP_114141.2, residues 1179-1199): HLKVQVGQRV[Asp1189Asn]IPCNAQGTPL